The following is an entry in ClinVar:

NM_005762.3(TRIM28):c.314_321dup (p.Ala108fs)

Genes: TRIM28 (tripartite motif containing 28; plus strand), LOC130065239 (ATAC-STARR-seq lymphoblastoid silent region 11093; plus strand). Cytogenetic location: 19q13.43.
Variant type: Duplication.
Coding change: c.314_321dup on transcript NM_005762.3 (MANE Select); coding-DNA positions 314 to 321, 8 bases duplicated (ACGGCGGG; older notation c.314_321dupACGGCGGG).
Protein change: p.Ala108fs; shifts the reading frame from alanine 108.
Molecular consequence: frameshift variant.
Genome position (GRCh38, 1-based): chr19:58,545,071-58,545,078, ACGGCGGG duplicated; duplicating any 8 consecutive bases within chr19:58,545,068-58,545,078 gives the same sequence; the c. name uses the placement nearest the transcript's 3' end. VCF-style (leftmost placement, unchanged base first): chr19-58545067-G-GGGGACGGC. GRCh37 (hg19) VCF-style: chr19-59056434-G-GGGGACGGC.
Other names: c.314_321dup8 (NM_005762.2); short protein forms A108fs.
Identifiers: ClinVar variation 4056101 (VCV004056101.3).

ClinVar aggregate classification (germline): Likely pathogenic. Review status: criteria provided, multiple submitters, no conflicts (2 of 4 stars). 2 submissions from 2 submitters: Likely pathogenic (2). Last evaluated 2025-06-17.

Conditions:
TRIM28-related disorder. Also called: TRIM28-related condition.
Predisposition to Wilms tumor.

Submissions (2):

St. Jude Molecular Pathology, St. Jude Children's Research Hospital
Classification: Likely pathogenic for Predisposition to Wilms tumor. Last evaluated: 2025-06-17. Review status: criteria provided, single submitter. Criteria: St. Jude Assertion Criteria 2020. Collection method: clinical testing. Allele origin: germline.
Comment: The TRIM28 c.314_321dup p.(Ala108ThrfsTer74) change duplicates eight nucleotides to cause a frameshift and the creation of a premature stop codon. This change is predicted to cause protein truncation or absence of protein due to nonsense-mediated decay. In summary, this variant meets criteria to be classified as likely pathogenic.

PreventionGenetics, part of Exact Sciences
Classification: Likely pathogenic for TRIM28-related condition. Last evaluated: 2025-04-28. Review status: criteria provided, single submitter. Criteria: ACMG Guidelines, 2015. Collection method: clinical testing. Allele origin: germline.
Comment: The TRIM28 c.314_321dup8 variant is predicted to result in a frameshift and premature protein termination (p.Ala108Thrfs*74). To our knowledge, this variant has not been reported in the literature or in a large population database (gnomAD), indicating this variant is rare. Frameshift variants in TRIM28 are expected to be pathogenic. This variant is interpreted as likely pathogenic.